The following is an entry in ClinVar:

ClinVar aggregate classification (germline): Uncertain significance (1 of 4 stars; one submission).

gnomAD v4.1: 3 of 1,613,990 alleles (0.00019%); highest among the groups gnomAD compares: South Asian, 0.0011%; no homozygotes.

Submission:

Labcorp Genetics (formerly Invitae), Labcorp
Classification: Uncertain significance. Last evaluated: 2025-09-24. Review status: criteria provided, single submitter. Criteria: Invitae Variant Classification Sherloc (09022015). Collection method: clinical testing. Allele origin: germline.
Comment: This sequence change replaces arginine, which is basic and polar, with histidine, which is basic and polar, at codon 260 of the CARD8 protein (p.Arg260His). This variant is present in population databases (no rsID available, gnomAD 0.007%). This variant has not been reported in the literature in individuals affected with CARD8-related conditions. An algorithm developed to predict the effect of missense changes on protein structure and function outputs the following: PolyPhen-2: "Benign". The histidine amino acid residue is found in multiple mammalian species, which suggests that this missense change does not adversely affect protein function. In summary, the available evidence is currently insufficient to determine the role of this variant in disease. Therefore, it has been classified as a Variant of Uncertain Significance.

NM_001184900.3(CARD8):c.929G>A (p.Arg310His)

Gene: CARD8 (caspase recruitment domain family member 8; minus strand). Cytogenetic location: 19q13.33.
Variant type: single nucleotide variant.
Coding change: c.929G>A on transcript NM_001184900.3 (MANE Select); coding-DNA position 929, G replaced by A.
Protein change: p.Arg310His; replaces arginine 310 with histidine.
Molecular consequence: missense variant. On other transcripts: non-coding transcript variant (4).
Genome position (GRCh38, 1-based): chr19:48,230,544, C>T on the plus strand (G>A on the coding strand, the complement: CARD8 is on the minus strand). VCF-style: chr19-48230544-C-T. GRCh37 (hg19) VCF-style: chr19-48733801-C-T.
Other names: c.779G>A, p.Arg260His (NM_001184901.1, NM_001351783.2, NM_001351788.2 and 2 more transcripts); c.929G>A, p.Arg310His (NM_001184902.2, NM_001184903.1, NM_001351782.2); c.614G>A, p.Arg205His (NM_001351784.2, NM_001351787.2, NM_001351791.2 and 1 more transcripts); c.593G>A, p.Arg198His (NM_001351786.2); c.686G>A, p.Arg229His (NM_001351790.2); c.611G>A, p.Arg204His (NM_001365950.1); short protein forms R198H, R204H, R260H, R205H, R229H, R310H.
Identifiers: ClinVar variation 4695037 (VCV004695037.1).
Genomic context (GRCh38, chr19:48,230,544, plus strand): 5'-ATATCTTCGGGGTGGGGGTGATAATAGATCAATGTGTTGGAAGTGATGGGGATGGAGAGG[C>T]GAGTCCCACTGGCGATCCGCAGCAGGATGCCCATCAGAGAGAAGCTGGGGCTTTCCAGGA-3'
Protein context (NP_001171829.1, residues 300-320): GILLRIASGT[Arg310His]LSIPITSNTL